The following is an entry in ClinVar:

ClinVar aggregate classification (germline): Likely benign. Review status: criteria provided, multiple submitters, no conflicts (2 of 4 stars). 4 submissions from 4 submitters: Likely benign (4). Last evaluated 2025-10-13.

Conditions:
Familial hypobetalipoproteinemia 1. Also called: Hypobetalipoproteinemia, normotriglyceridemic; Acanthocytosis with hypobetalipoproteinemia; APOB-Related Familial Hypobetalipoproteinemia. Identifiers: MedGen C4551990, MONDO:0014252, OMIM 615558.
Hypercholesterolemia, autosomal dominant, type B (FHCL2). Also called: Familial Hypercholesterolemia Type B; APOLIPOPROTEIN B-100, FAMILIAL DEFECTIVE; APOLIPOPROTEIN B-100, FAMILIAL LIGAND-DEFECTIVE; Hyperlipoproteinemia Type IIb; HYPERCHOLESTEROLEMIA, FAMILIAL, DUE TO LIGAND-DEFECTIVE APOLIPOPROTEIN B; APOB-Related Familial Hypercholesterolemia, Autosomal Dominant. Identifiers: MedGen C1704417, MONDO:0007751, OMIM 144010.
Familial hypercholesterolemia. Also called: Familial hypercholesterolemias; Familial hypercholesterolaemia. Identifiers: MedGen C0020445, MONDO:0005439.
Cardiovascular phenotype. Identifiers: MedGen CN230736.

Allele frequency attached by ClinVar (database versions not stated): TOPMed 0.00004; ExAC 0.00005; gnomAD 0.00006; ESP Exome Variant Server 0.00015.
gnomAD v4.1: 85 of 1,612,852 alleles (0.0053%); highest among the groups gnomAD compares: Non-Finnish European, 0.0068%; no homozygotes.

Submissions (4):

Labcorp Genetics (formerly Invitae), Labcorp
Classification: Likely benign for Familial hypobetalipoproteinemia 1; Hypercholesterolemia, autosomal dominant, type B. Last evaluated: 2025-10-13. Review status: criteria provided, single submitter. Criteria: Invitae Variant Classification Sherloc (09022015). Collection method: clinical testing. Allele origin: germline.

Ambry Genetics
Classification: Likely benign for Cardiovascular phenotype. Last evaluated: 2025-05-02. Review status: criteria provided, single submitter. Criteria: Ambry Variant Classification Scheme 2023. Collection method: clinical testing. Allele origin: germline.

Blueprint Genetics
Classification: Likely benign. Last evaluated: 2023-07-26. Review status: criteria provided, single submitter. Criteria: ACMG Guidelines, 2015. Collection method: clinical testing. Allele origin: germline.

GENinCode PLC
Classification: Likely benign for Familial hypercholesterolemia. Last evaluated: 2023-04-04. Review status: criteria provided, single submitter. Criteria: ACMG Guidelines, 2015. Collection method: clinical testing. Allele origin: germline.
Comment: This is a synonymous (silent) variant that is not predicted by SpliceAI to impact splicing. In addition, it occurs at a nucleotide that is not conserved. Therefore this variant has been classified as Likely Benign (BP4, BP7).

NM_000384.3(APOB):c.1344G>A (p.Ala448=)

Gene: APOB (apolipoprotein B; minus strand). Cytogenetic location: 2p24.1.
Variant type: single nucleotide variant.
Coding change: c.1344G>A on transcript NM_000384.3 (MANE Select); coding-DNA position 1344, G replaced by A.
Protein change: p.Ala448=; no amino-acid change (alanine 448 retained).
Molecular consequence: synonymous variant.
Genome position (GRCh38, 1-based): chr2:21,032,362, C>T on the plus strand (G>A on the coding strand, the complement: APOB is on the minus strand). VCF-style: chr2-21032362-C-T. GRCh37 (hg19) VCF-style: chr2-21255234-C-T.
Identifiers: ClinVar variation 696281 (VCV000696281.18), dbSNP rs148985217, ClinGen allele CA052824.